The following is an entry in ClinVar:

ClinVar aggregate classification (germline): Uncertain significance (1 of 4 stars; one submission).

Submission:

GeneDx
Classification: Uncertain significance. Last evaluated: 2020-10-28. Review status: criteria provided, single submitter. Criteria: GeneDx Variant Classification Process June 2021. Collection method: clinical testing. Allele origin: germline. Affected: yes.
Comment: Not observed in large population cohorts (Lek et al., 2016); In silico analysis supports that this missense variant has a deleterious effect on protein structure/function; Has not been previously published as pathogenic or benign to our knowledge

NM_001372066.1(TFAP2A):c.1147C>T (p.Leu383Phe)

Gene: TFAP2A (transcription factor AP-2 alpha; minus strand). Cytogenetic location: 6p24.3.
Variant type: single nucleotide variant.
Coding change: c.1147C>T on transcript NM_001372066.1 (MANE Select); coding-DNA position 1147, C replaced by T.
Protein change: p.Leu383Phe; replaces leucine 383 with phenylalanine.
Molecular consequence: missense variant.
Genome position (GRCh38, 1-based): chr6:10,398,590, G>A on the plus strand (C>T on the coding strand, the complement: TFAP2A is on the minus strand). VCF-style: chr6-10398590-G-A. GRCh37 (hg19) VCF-style: chr6-10398823-G-A.
Other names: NM_003220.2:c.1141C>T; c.1123C>T, p.Leu375Phe (NM_001032280.3); c.1129C>T, p.Leu377Phe (NM_001042425.3); short protein forms L375F, L377F, L383F.
Identifiers: ClinVar variation 1313292 (VCV001313292.2), dbSNP rs2113997976, ClinGen allele CA362699235.